The following is an entry in ClinVar:

NM_015331.3(NCSTN):c.1829A>C (p.His610Pro)

Gene: NCSTN (nicastrin; plus strand). Cytogenetic location: 1q23.2.
Variant type: single nucleotide variant.
Coding change: c.1829A>C on transcript NM_015331.3 (MANE Select); coding-DNA position 1829, A replaced by C.
Protein change: p.His610Pro; replaces histidine 610 with proline.
Molecular consequence: missense variant. On other transcripts: intron variant (1).
Genome position (GRCh38, 1-based): chr1:160,357,075, A>C. VCF-style: chr1-160357075-A-C. GRCh37 (hg19) VCF-style: chr1-160326865-A-C.
Other names: c.1769A>C, p.His590Pro (NM_001290184.2); c.1415A>C, p.His472Pro (NM_001290186.2); c.1794+321A>C (NM_001349729.2); c.1829A>C (NM_015331.2); short protein forms H472P, H590P, H610P.
Identifiers: ClinVar variation 1969162 (VCV001969162.8), dbSNP rs746288570, ClinGen allele CA1199118.

ClinVar aggregate classification (germline): Uncertain significance. Review status: criteria provided, multiple submitters, no conflicts (2 of 4 stars). 2 submissions from 2 submitters: Uncertain significance (2). Last evaluated 2025-09-05.

Conditions:
Inborn genetic diseases. Identifiers: MedGen C0950123, MeSH D030342.

Allele frequency attached by ClinVar (database versions not stated): gnomAD 0.00003; TOPMed 0.00007.
gnomAD v4.1: 12 of 1,613,870 alleles (0.00074%); highest among the groups gnomAD compares: African/African-American, 0.016%; no homozygotes.

Submissions (2):

Ambry Genetics
Classification: Uncertain significance for Inborn genetic diseases. Last evaluated: 2025-09-05. Review status: criteria provided, single submitter. Criteria: Ambry Variant Classification Scheme 2023. Collection method: clinical testing. Allele origin: germline.

Labcorp Genetics (formerly Invitae), Labcorp
Classification: Uncertain significance. Last evaluated: 2023-10-13. Review status: criteria provided, single submitter. Criteria: Invitae Variant Classification Sherloc (09022015). Collection method: clinical testing. Allele origin: germline.
Comment: This sequence change replaces histidine, which is basic and polar, with proline, which is neutral and non-polar, at codon 610 of the NCSTN protein (p.His610Pro). This variant is present in population databases (rs746288570, gnomAD 0.03%). This variant has not been reported in the literature in individuals affected with NCSTN-related conditions. ClinVar contains an entry for this variant (Variation ID: 1969162). An algorithm developed to predict the effect of missense changes on protein structure and function (PolyPhen-2) suggests that this variant is likely to be tolerated. In summary, the available evidence is currently insufficient to determine the role of this variant in disease. Therefore, it has been classified as a Variant of Uncertain Significance.